The following is an entry in ClinVar:

NM_032242.4(PLXNA1):c.2603A>G (p.Lys868Arg)

Gene: PLXNA1 (plexin A1; plus strand). Cytogenetic location: 3q21.3.
Variant type: single nucleotide variant.
Coding change: c.2603A>G on transcript NM_032242.4 (MANE Select); coding-DNA position 2603, A replaced by G.
Protein change: p.Lys868Arg; replaces lysine 868 with arginine.
Molecular consequence: missense variant.
Genome position (GRCh38, 1-based): chr3:127,014,374, A>G. VCF-style: chr3-127014374-A-G. GRCh37 (hg19) VCF-style: chr3-126733217-A-G.
Other names: short protein forms K868R.
Identifiers: ClinVar variation 3031891 (VCV003031891.3), dbSNP rs766849650, ClinGen allele CA2593675.

ClinVar aggregate classification (germline): Uncertain significance. Review status: criteria provided, single submitter (1 of 4 stars). 2 submissions from 2 submitters: Uncertain significance (1). 1 of the submissions does not count toward it. Last evaluated 2025-08-26.

Conditions:
PLXNA1-related disorder. Also called: PLXNA1-related condition.

Allele frequency attached by ClinVar (database versions not stated): gnomAD 0.00001; TOPMed 0.00001; ExAC 0.00002; gnomAD exomes 0.00002.
gnomAD v4.1: 25 of 1,590,108 alleles (0.0016%); highest among the groups gnomAD compares: Non-Finnish European, 0.002%; no homozygotes.

Submissions (2):

Ambry Genetics
Classification: Uncertain significance. Last evaluated: 2025-08-26. Review status: criteria provided, single submitter. Criteria: Ambry Variant Classification Scheme 2023. Collection method: clinical testing. Allele origin: germline.

PreventionGenetics, part of Exact Sciences
Classification: Uncertain significance for PLXNA1-related condition. Last evaluated: 2024-01-02. Review status: no assertion criteria provided. Collection method: clinical testing. Allele origin: germline. Not counted in ClinVar's aggregate classification.
Comment: The PLXNA1 c.2603A>G variant is predicted to result in the amino acid substitution p.Lys868Arg. To our knowledge, this variant has not been reported in the literature. This variant is reported in 0.0022% of alleles in individuals of European (Non-Finnish) descent in gnomAD. At this time, the clinical significance of this variant is uncertain due to the absence of conclusive functional and genetic evidence.